The following is an entry in ClinVar:

ClinVar aggregate classification (germline): Uncertain significance (1 of 4 stars; one submission).

Allele frequency attached by ClinVar (database versions not stated): gnomAD exomes below 0.00001.
gnomAD v4.1: 1 of 1,614,242 alleles (0.000062%); highest among the groups gnomAD compares: Non-Finnish European, 0.000085%; no homozygotes.

Submission:

GeneDx
Classification: Uncertain significance. Last evaluated: 2022-06-21. Review status: criteria provided, single submitter. Criteria: GeneDx Variant Classification Process June 2021. Collection method: clinical testing. Allele origin: germline. Affected: yes.
Comment: Not observed at significant frequency in large population cohorts (gnomAD); In silico analysis supports that this missense variant has a deleterious effect on protein structure/function; Has not been previously published as pathogenic or benign to our knowledge

NM_006565.4(CTCF):c.659A>G (p.Asp220Gly)

Gene: CTCF (CCCTC-binding factor; plus strand). Cytogenetic location: 16q22.1.
Variant type: single nucleotide variant.
Coding change: c.659A>G on transcript NM_006565.4 (MANE Select); coding-DNA position 659, A replaced by G.
Protein change: p.Asp220Gly; replaces aspartic acid 220 with glycine.
Molecular consequence: missense variant. On other transcripts: intron variant (1).
Genome position (GRCh38, 1-based): chr16:67,611,491, A>G. VCF-style: chr16-67611491-A-G. GRCh37 (hg19) VCF-style: chr16-67645394-A-G.
Other names: c.659A>G, p.Asp220Gly (NM_001363916.2); c.-32-5254A>G (NM_001191022.2); short protein forms D220G.
Identifiers: ClinVar variation 1806713 (VCV001806713.1), dbSNP rs2543449574, ClinGen allele CA396307228.